The following is an entry in ClinVar:

NM_002473.6(MYH9):c.2393C>T (p.Ala798Val)

Gene: MYH9 (myosin heavy chain 9; minus strand). Cytogenetic location: 22q12.3.
Variant type: single nucleotide variant.
Coding change: c.2393C>T on transcript NM_002473.6 (MANE Select); coding-DNA position 2393, C replaced by T.
Protein change: p.Ala798Val; replaces alanine 798 with valine.
Molecular consequence: missense variant.
Genome position (GRCh38, 1-based): chr22:36,302,674, G>A on the plus strand (C>T on the coding strand, the complement: MYH9 is on the minus strand). VCF-style: chr22-36302674-G-A. GRCh37 (hg19) VCF-style: chr22-36698720-G-A.
Other names: short protein forms A798V.
Identifiers: ClinVar variation 3697739 (VCV003697739.2).

ClinVar aggregate classification (germline): Uncertain significance (1 of 4 stars; one submission).

gnomAD v4.1: 6 of 1,612,918 alleles (0.00037%); highest among the groups gnomAD compares: Non-Finnish European, 0.00051%; no homozygotes.

Submission:

Labcorp Genetics (formerly Invitae), Labcorp
Classification: Uncertain significance. Last evaluated: 2024-06-25. Review status: criteria provided, single submitter. Criteria: Invitae Variant Classification Sherloc (09022015). Collection method: clinical testing. Allele origin: germline.
Comment: This sequence change replaces alanine, which is neutral and non-polar, with valine, which is neutral and non-polar, at codon 798 of the MYH9 protein (p.Ala798Val). This variant is present in population databases (no rsID available, gnomAD 0.004%). This variant has not been reported in the literature in individuals affected with MYH9-related conditions. An algorithm developed to predict the effect of missense changes on protein structure and function (PolyPhen-2) suggests that this variant is likely to be tolerated. In summary, the available evidence is currently insufficient to determine the role of this variant in disease. Therefore, it has been classified as a Variant of Uncertain Significance.